The following is an entry in ClinVar:

ClinVar aggregate classification (germline): Uncertain significance (1 of 4 stars; one submission).

Conditions:
Meckel-Gruber syndrome. Also called: Dysencephalia splachnocystica; DYSENCEPHALIA SPLANCHNOCYSTICA; GRUBER SYNDROME. Identifiers: Orphanet 564, MedGen C0265215, MONDO:0018921.
Joubert syndrome. Also called: Familial aplasia of the vermis; JOUBERT-BOLTSHAUSER SYNDROME. Identifiers: Orphanet 475, MedGen C5979921, MONDO:0018772.

Submission:

Labcorp Genetics (formerly Invitae), Labcorp
Classification: Uncertain significance for Joubert syndrome; Meckel-Gruber syndrome. Last evaluated: 2022-07-25. Review status: criteria provided, single submitter. Criteria: Invitae Variant Classification Sherloc (09022015). Collection method: clinical testing. Allele origin: germline.
Comment: This variant is not present in population databases (gnomAD no frequency). This variant, c.1696_1698del, results in the deletion of 1 amino acid(s) of the CC2D2A protein (p.Glu566del), but otherwise preserves the integrity of the reading frame. This variant has not been reported in the literature in individuals affected with CC2D2A-related conditions. In summary, the available evidence is currently insufficient to determine the role of this variant in disease. Therefore, it has been classified as a Variant of Uncertain Significance. Algorithms developed to predict the effect of sequence changes on RNA splicing suggest that this variant may create or strengthen a splice site. ClinVar contains an entry for this variant (Variation ID: 957078).

NM_001378615.1(CC2D2A):c.1693GAG[1] (p.Glu566del)

Genes: CC2D2A (coiled-coil and C2 domain containing 2A; plus strand), FBXL5 (F-box and leucine rich repeat protein 5; minus strand). Cytogenetic location: 4p15.32.
Variant type: Microsatellite.
Coding change: c.1693GAG[1] on transcript NM_001378615.1 (MANE Select); one copy of the 3-base unit GAG starting at c.1693; the reference has two copies in a row; one copy, 3 bases deleted.
Protein change: p.Glu566del; deletes glutamic acid 566.
Molecular consequence: inframe deletion.
Genome position (GRCh38, 1-based): chr4:15,537,008-15,537,010, GAG deleted; deleting any 3 consecutive bases within chr4:15,537,004-15,537,010 gives the same sequence; the position shown is the placement nearest the transcript's 3' end. VCF-style (leftmost placement, unchanged base first): chr4-15537003-CGGA-C. GRCh37 (hg19) VCF-style: chr4-15538626-CGGA-C.
Other names: c.1693GAG[1], p.Glu566del (NM_001080522.2); c.1546GAG[1], p.Glu517del (NM_001378617.1); c.1696_1698del (NM_001080522.2); short protein forms E566del, E517del.
Identifiers: ClinVar variation 957078 (VCV000957078.10), dbSNP rs1718166919, ClinGen allele CA1440691042.